The following is an entry in ClinVar:

ClinVar aggregate classification (germline): Uncertain significance (0 of 4 stars; one submission).

Conditions:
ZBTB20-related disorder. Also called: ZBTB20-related condition.

Submission:

PreventionGenetics, part of Exact Sciences
Classification: Uncertain significance for ZBTB20-related condition. Last evaluated: 2024-02-27. Review status: no assertion criteria provided. Collection method: clinical testing. Allele origin: germline.
Comment: The ZBTB20 c.706C>T variant is predicted to result in the amino acid substitution p.Pro236Ser. To our knowledge, this variant has not been reported in the literature or in a large population database, indicating this variant is rare. At this time, the clinical significance of this variant is uncertain due to the absence of conclusive functional and genetic evidence.

NM_001348800.3(ZBTB20):c.706C>T (p.Pro236Ser)

Gene: ZBTB20 (zinc finger and BTB domain containing 20; minus strand). Cytogenetic location: 3q13.31.
Variant type: single nucleotide variant.
Coding change: c.706C>T on transcript NM_001348800.3 (MANE Select); coding-DNA position 706, C replaced by T.
Protein change: p.Pro236Ser; replaces proline 236 with serine.
Molecular consequence: missense variant.
Genome position (GRCh38, 1-based): chr3:114,351,372, G>A on the plus strand (C>T on the coding strand, the complement: ZBTB20 is on the minus strand). VCF-style: chr3-114351372-G-A. GRCh37 (hg19) VCF-style: chr3-114070219-G-A.
Other names: c.706C>T, p.Pro236Ser (NM_001164342.2, NM_001348803.3, NM_001393393.1 and 1 more transcripts); c.487C>T, p.Pro163Ser (NM_001164343.2, NM_001164344.4, NM_001164345.4 and 9 more transcripts); short protein forms P163S, P236S.
Identifiers: ClinVar variation 3061231 (VCV003061231.2), dbSNP rs1169526807, ClinGen allele CA354015747.